The following is an entry in ClinVar:

ClinVar aggregate classification (germline): Pathogenic (1 of 4 stars; one submission).

Allele frequency attached by ClinVar (database versions not stated): gnomAD exomes below 0.00001.
gnomAD v4.1: 2 of 1,207,729 alleles (0.00017%); highest among the groups gnomAD compares: South Asian, 0.0018%; no homozygotes.

Submissions (2):

GeneDx
Classification: Pathogenic. Last evaluated: 2023-11-26. Review status: criteria provided, single submitter. Criteria: GeneDx Variant Classification Process June 2021. Collection method: clinical testing. Allele origin: germline.
Comment: Not observed at significant frequency in large population cohorts (gnomAD); Has not been previously published as pathogenic or benign to our knowledge; Canonical splice site variant predicted to result in a null allele in a gene for which loss of function is a known mechanism of disease

Dr. Peter K. Rogan Lab, Western University
No classification provided (evidence only). Condition: Thyroid cancer, nonmedullary, 1. Review status: no classification provided. Collection method: in vitro. Allele origin: not applicable. Functional consequence: skipped exon. Not counted in ClinVar's aggregate classification.

NM_001555.5(IGSF1):c.70+1G>A

Gene: IGSF1 (immunoglobulin superfamily member 1; minus strand). Cytogenetic location: Xq26.1.
Variant type: single nucleotide variant.
Coding change: c.70+1G>A on transcript NM_001555.5 (MANE Select); the canonical splice donor site of the intron after coding-DNA position 70, G replaced by A.
Molecular consequence: splice donor variant.
Genome position (GRCh38, 1-based): chrX:131,286,604, C>T on the plus strand (G>A on the coding strand, the complement: IGSF1 is on the minus strand). VCF-style: chrX-131286604-C-T. GRCh37 (hg19) VCF-style: chrX-130420578-C-T.
Other names: NC_000023.10:g.130420578C>T; c.70+1G>A (NM_001170962.2, NM_001170961.2, NM_205833.4 and 1 more transcripts).
Identifiers: ClinVar variation 1703440 (VCV001703440.4), dbSNP rs777462101, ClinGen allele CA335116580.